The following is an entry in ClinVar:

NM_001017995.3(SH3PXD2B):c.*3936G>A

Gene: SH3PXD2B (SH3 and PX domains 2B; minus strand). Cytogenetic location: 5q35.1.
Variant type: single nucleotide variant.
Coding change: c.*3936G>A on transcript NM_001017995.3 (MANE Select); 3936 bases downstream of the stop codon, G replaced by A.
Molecular consequence: 3 prime UTR variant. On other transcripts: intron variant (1).
Genome position (GRCh38, 1-based): chr5:172,334,433, C>T on the plus strand (G>A on the coding strand, the complement: SH3PXD2B is on the minus strand). VCF-style: chr5-172334433-C-T. GRCh37 (hg19) VCF-style: chr5-171761437-C-T.
Other names: c.1189-9053G>A (NM_001308175.2).
Identifiers: ClinVar variation 352739 (VCV000352739.5), dbSNP rs74364058, ClinGen allele CA10619955.

ClinVar aggregate classification (germline): Benign (1 of 4 stars; one submission).

Conditions:
Frank-Ter Haar syndrome. Also called: BORRONE DERMATOCARDIOSKELETAL SYNDROME; TER HAAR SYNDROME; MELNICK-NEEDLES SYNDROME, AUTOSOMAL RECESSIVE; Borrone di Rocco Crovato syndrome. Identifiers: Orphanet 1266, Orphanet 137834, MedGen C1855305, MONDO:0009579, OMIM 249420.

Allele frequency attached by ClinVar (database versions not stated): 1000 Genomes Project 30x 0.02327; 1000 Genomes Project 0.02416; TOPMed 0.03611; gnomAD 0.04029 and 0.04070.
gnomAD v4.1: 56,268 of 987,876 alleles (5.7%); highest among the groups gnomAD compares: Middle Eastern, 6.7%; 1,794 homozygotes.

Submission:

Illumina Laboratory Services, Illumina
Classification: Benign for Frank-Ter Haar syndrome. Last evaluated: 2018-01-13. Review status: criteria provided, single submitter. Criteria: ICSL Variant Classification Criteria 13 December 2019. Collection method: clinical testing. Allele origin: germline.
Comment: This variant was observed in the ICSL laboratory as part of a predisposition screen in an ostensibly healthy population. It had not been previously curated by ICSL or reported in the Human Gene Mutation Database (HGMD: prior to June 1st, 2018), and was therefore a candidate for classification through an automated scoring system. Utilizing variant allele frequency, disease prevalence and penetrance estimates, and inheritance mode, an automated score was calculated to assess if this variant is too frequent to cause the disease. Based on the score and internal cut-off values, a variant classified as benign is not then subjected to further curation. The score for this variant resulted in a classification of benign for this disease.